The following is an entry in ClinVar:

NM_020791.4(TAOK1):c.2149-9dup

Gene: TAOK1 (TAO kinase 1; plus strand). Cytogenetic location: 17q11.2.
Variant type: Duplication.
Coding change: c.2149-9dup on transcript NM_020791.4 (MANE Select); 9 bases into the intron before coding-DNA position 2149, one base duplicated (T; older notation c.2149-9dupT).
Molecular consequence: intron variant.
Genome position (GRCh38, 1-based): chr17:29,530,398, T duplicated; the last of 9 consecutive T bases (chr17:29,530,390-29,530,398); duplicating any one gives the same sequence. VCF-style (leftmost placement, unchanged base first): chr17-29530389-A-AT. GRCh37 (hg19) VCF-style: chr17-27857407-A-AT.
Other names: c.1705-9dup (NM_025142.1).
Identifiers: ClinVar variation 3035742 (VCV003035742.2), dbSNP rs573433155, ClinGen allele CA8474807.
Genomic context (GRCh38, chr17:29,530,389, plus strand): 5'-TTTTCATGTATGTAAGCATACCATATACCAAATGCCTTTCGTTACAACTTACATAAATGT[A>AT]TTTTTTTTTCTTCCCAGTCTAAAGAACTCCAAATAAAAAAGCAGTTTCAGGATACCTGCA-3'

ClinVar aggregate classification (germline): Likely benign (0 of 4 stars; one submission).

Conditions:
TAOK1-related disorder. Also called: TAOK1-related condition.

Submission:

PreventionGenetics, part of Exact Sciences
Classification: Likely benign for TAOK1-related condition. Last evaluated: 2019-11-27. Review status: no assertion criteria provided. Collection method: clinical testing. Allele origin: germline.
Comment: This variant is classified as likely benign based on ACMG/AMP sequence variant interpretation guidelines (Richards et al. 2015 PMID: 25741868, with internal and published modifications).